The following is an entry in ClinVar:

NM_176869.3(PPA2):c.506A>G (p.Asp169Gly)

Gene: PPA2 (inorganic pyrophosphatase 2; minus strand). Cytogenetic location: 4q24.
Variant type: single nucleotide variant.
Coding change: c.506A>G on transcript NM_176869.3 (MANE Select); coding-DNA position 506, A replaced by G.
Protein change: p.Asp169Gly; replaces aspartic acid 169 with glycine.
Molecular consequence: missense variant. On other transcripts: intron variant (3).
Genome position (GRCh38, 1-based): chr4:105,437,972, T>C on the plus strand (A>G on the coding strand, the complement: PPA2 is on the minus strand). VCF-style: chr4-105437972-T-C. GRCh37 (hg19) VCF-style: chr4-106359129-T-C.
Other names: c.157+35922A>G (NM_176867.3); c.223-13650A>G (NM_176866.2); c.441+8411A>G (NM_006903.4); c.506A>G (NM_176869.2); short protein forms D169G.
Identifiers: ClinVar variation 1435972 (VCV001435972.6), dbSNP rs1724141771, ClinGen allele CA357799295.

ClinVar aggregate classification (germline): Uncertain significance. Review status: criteria provided, multiple submitters, no conflicts (2 of 4 stars). 2 submissions from 2 submitters: Uncertain significance (2). Last evaluated 2026-03-18.

Allele frequency attached by ClinVar (database versions not stated): gnomAD exomes below 0.00001; TOPMed below 0.00001.
gnomAD v4.1: 1 of 1,609,404 alleles (0.000062%); highest among the groups gnomAD compares: Non-Finnish European, 0.000085%; no homozygotes.

Submissions (2):

GeneDx
Classification: Uncertain significance. Last evaluated: 2026-03-18. Review status: criteria provided, single submitter. Criteria: GeneDx Variant Classification Process June 2021. Collection method: clinical testing. Allele origin: germline.
Comment: Not observed at significant frequency in large population cohorts (gnomAD); In silico analysis supports that this missense variant has a deleterious effect on protein structure/function; Has not been previously published as pathogenic or benign to our knowledge

Labcorp Genetics (formerly Invitae), Labcorp
Classification: Uncertain significance. Last evaluated: 2025-01-07. Review status: criteria provided, single submitter. Criteria: Invitae Variant Classification Sherloc (09022015). Collection method: clinical testing. Allele origin: germline.
Comment: This sequence change replaces aspartic acid, which is acidic and polar, with glycine, which is neutral and non-polar, at codon 169 of the PPA2 protein (p.Asp169Gly). This variant is not present in population databases (gnomAD no frequency). This variant has not been reported in the literature in individuals affected with PPA2-related conditions. ClinVar contains an entry for this variant (Variation ID: 1435972). Invitae Evidence Modeling of protein sequence and biophysical properties (such as structural, functional, and spatial information, amino acid conservation, physicochemical variation, residue mobility, and thermodynamic stability) indicates that this missense variant is expected to disrupt PPA2 protein function with a positive predictive value of 95%. In summary, the available evidence is currently insufficient to determine the role of this variant in disease. Therefore, it has been classified as a Variant of Uncertain Significance.